The following is an entry in ClinVar:

ClinVar aggregate classification (germline): Conflicting classifications of pathogenicity. Review status: criteria provided, conflicting classifications (1 of 4 stars). 3 submissions from 3 submitters: Uncertain significance (1); Likely benign (1). 1 of the submissions does not count toward it. Last evaluated 2025-01-27.

Conditions:
RAI1-related disorder. Also called: RAI1-related condition.
Inborn genetic diseases. Identifiers: MedGen C0950123, MeSH D030342.

gnomAD v4.1: 2 of 1,595,424 alleles (0.00013%); highest among the groups gnomAD compares: African/African-American, 0.0027%; no homozygotes.

Submissions (3):

Ambry Genetics
Classification: Likely benign for Inborn genetic diseases. Last evaluated: 2025-01-27. Review status: criteria provided, single submitter. Criteria: Ambry Variant Classification Scheme 2023. Collection method: clinical testing. Allele origin: germline.

Labcorp Genetics (formerly Invitae), Labcorp
Classification: Uncertain significance. Last evaluated: 2024-10-20. Review status: criteria provided, single submitter. Criteria: Invitae Variant Classification Sherloc (09022015). Collection method: clinical testing. Allele origin: germline.
Comment: This sequence change replaces leucine, which is neutral and non-polar, with phenylalanine, which is neutral and non-polar, at codon 806 of the RAI1 protein (p.Leu806Phe). This variant is present in population databases (rs758427779, gnomAD 0.008%). This variant has not been reported in the literature in individuals affected with RAI1-related conditions. Invitae Evidence Modeling of protein sequence and biophysical properties (such as structural, functional, and spatial information, amino acid conservation, physicochemical variation, residue mobility, and thermodynamic stability) indicates that this missense variant is not expected to disrupt RAI1 protein function with a negative predictive value of 80%. In summary, the available evidence is currently insufficient to determine the role of this variant in disease. Therefore, it has been classified as a Variant of Uncertain Significance.

PreventionGenetics, part of Exact Sciences
Classification: Uncertain significance for RAI1-related condition. Last evaluated: 2024-08-26. Review status: no assertion criteria provided. Collection method: clinical testing. Allele origin: germline. Not counted in ClinVar's aggregate classification.
Comment: The RAI1 c.2418G>C variant is predicted to result in the amino acid substitution p.Leu806Phe. To our knowledge, this variant has not been reported in the literature. This variant is reported in 0.0082% of alleles in individuals of African descent in gnomAD. At this time, the clinical significance of this variant is uncertain due to the absence of conclusive functional and genetic evidence.

NM_030665.4(RAI1):c.2418G>C (p.Leu806Phe)

Gene: RAI1 (retinoic acid induced 1; plus strand). Cytogenetic location: 17p11.2.
Variant type: single nucleotide variant.
Coding change: c.2418G>C on transcript NM_030665.4 (MANE Select); coding-DNA position 2418, G replaced by C.
Protein change: p.Leu806Phe; replaces leucine 806 with phenylalanine.
Molecular consequence: missense variant.
Genome position (GRCh38, 1-based): chr17:17,795,366, G>C. VCF-style: chr17-17795366-G-C. GRCh37 (hg19) VCF-style: chr17-17698680-G-C.
Other names: short protein forms L806F.
Identifiers: ClinVar variation 3354601 (VCV003354601.4).